The following is an entry in ClinVar:

NM_139027.6(ADAMTS13):c.1045C>T (p.Arg349Cys)

Gene: ADAMTS13 (ADAM metallopeptidase with thrombospondin type 1 motif 13; plus strand). Cytogenetic location: 9q34.2.
Variant type: single nucleotide variant.
Coding change: c.1045C>T on transcript NM_139027.6 (MANE Select); coding-DNA position 1045, C replaced by T.
Protein change: p.Arg349Cys; replaces arginine 349 with cysteine.
Molecular consequence: missense variant. On other transcripts: non-coding transcript variant (1).
Genome position (GRCh38, 1-based): chr9:133,432,645, C>T. VCF-style: chr9-133432645-C-T. GRCh37 (hg19) VCF-style: chr9-136297766-C-T.
Other names: c.1045C>T, p.Arg349Cys (NM_139025.5); c.952C>T, p.Arg318Cys (NM_139026.6); short protein forms R349C, R318C.
Identifiers: ClinVar variation 68799 (VCV000068799.7), dbSNP rs281875288, ClinGen allele CA219974.

ClinVar aggregate classification (germline): Pathogenic/Likely pathogenic. Review status: criteria provided, multiple submitters, no conflicts (2 of 4 stars). 4 submissions from 4 submitters: Pathogenic (1); Likely pathogenic (2). 1 of the submissions does not count toward it. Last evaluated 2025-12-29.

Conditions:
Upshaw-Schulman syndrome (TTP). Also called: Congenital thrombotic thrombocytopenic purpura; THROMBOTIC THROMBOCYTOPENIC PURPURA, HEREDITARY. Identifiers: Orphanet 93583, MedGen C1268935, MONDO:0010122, OMIM 274150.

Submissions (4):

Center for Genomic Medicine, Rigshospitalet, Copenhagen University Hospital
Classification: Likely pathogenic. Last evaluated: 2025-12-29. Review status: criteria provided, single submitter. Criteria: ACMG Guidelines, 2015. Collection method: clinical testing. Allele origin: germline.

Genomic Medicine Center of Excellence, King Faisal Specialist Hospital and Research Centre
Classification: Likely pathogenic for Upshaw-Schulman syndrome. Last evaluated: 2025-09-10. Review status: criteria provided, single submitter. Criteria: ACMG Guidelines, 2015. Collection method: clinical testing. Allele origin: germline.

Labcorp Genetics (formerly Invitae), Labcorp
Classification: Pathogenic. Last evaluated: 2022-12-01. Review status: criteria provided, single submitter. Criteria: Invitae Variant Classification Sherloc (09022015). Collection method: clinical testing. Allele origin: germline.
Comment: This sequence change replaces arginine, which is basic and polar, with cysteine, which is neutral and slightly polar, at codon 349 of the ADAMTS13 protein (p.Arg349Cys). For these reasons, this variant has been classified as Pathogenic. Experimental studies have shown that this missense change affects ADAMTS13 function (PMID: 29554699, 32365113). Advanced modeling of protein sequence and biophysical properties (such as structural, functional, and spatial information, amino acid conservation, physicochemical variation, residue mobility, and thermodynamic stability) performed at Invitae indicates that this missense variant is expected to disrupt ADAMTS13 protein function. ClinVar contains an entry for this variant (Variation ID: 68799). This missense change has been observed in individual(s) with thrombotic thrombocytopenic purpura (PMID: 19055667, 29554699). In at least one individual the data is consistent with being in trans (on the opposite chromosome) from a pathogenic variant. It has also been observed to segregate with disease in related individuals. The frequency data for this variant in the population databases is considered unreliable, as metrics indicate poor data quality at this position in the gnomAD database.

UniProtKB/Swiss-Prot
No classification provided. Review status: no classification provided. Collection method: not provided. Allele origin: not provided. Not counted in ClinVar's aggregate classification.

Literature cited by the submitters: PubMed 19055667 (cited by Center for Genomic Medicine, Rigshospitalet, Copenhagen University Hospital and Labcorp Genetics (formerly Invitae), Labcorp); PubMed 19880749 (cited by Center for Genomic Medicine, Rigshospitalet, Copenhagen University Hospital); PubMed 29554699 (cited by Labcorp Genetics (formerly Invitae), Labcorp); PubMed 32365113 (cited by Labcorp Genetics (formerly Invitae), Labcorp).